The following is an entry in ClinVar:

ClinVar aggregate classification (germline): Uncertain significance (1 of 4 stars; one submission).

Allele frequency attached by ClinVar (database versions not stated): gnomAD exomes below 0.00001 and 0.00001; ExAC 0.00002; gnomAD 0.00011 and 0.00013; TOPMed 0.00011.

Submission:

Labcorp Genetics (formerly Invitae), Labcorp
Classification: Uncertain significance. Last evaluated: 2022-06-28. Review status: criteria provided, single submitter. Criteria: Invitae Variant Classification Sherloc (09022015). Collection method: clinical testing. Allele origin: germline.
Comment: In summary, the available evidence is currently insufficient to determine the role of this variant in disease. Therefore, it has been classified as a Variant of Uncertain Significance. Algorithms developed to predict the effect of missense changes on protein structure and function are either unavailable or do not agree on the potential impact of this missense change (SIFT: "Deleterious"; PolyPhen-2: "Benign"; Align-GVGD: "Class C0"). This variant has not been reported in the literature in individuals affected with UPB1-related conditions. This variant is present in population databases (rs747615356, gnomAD 0.02%). This sequence change replaces alanine, which is neutral and non-polar, with threonine, which is neutral and polar, at codon 43 of the UPB1 protein (p.Ala43Thr).

NM_016327.3(UPB1):c.127G>A (p.Ala43Thr)

Gene: UPB1 (beta-ureidopropionase 1; plus strand). Cytogenetic location: 22q11.23.
Variant type: single nucleotide variant.
Coding change: c.127G>A on transcript NM_016327.3 (MANE Select); coding-DNA position 127, G replaced by A.
Protein change: p.Ala43Thr; replaces alanine 43 with threonine.
Molecular consequence: missense variant.
Genome position (GRCh38, 1-based): chr22:24,500,129, G>A. VCF-style: chr22-24500129-G-A. GRCh37 (hg19) VCF-style: chr22-24896097-G-A.
Other names: short protein forms A43T.
Identifiers: ClinVar variation 1413974 (VCV001413974.8), dbSNP rs747615356, ClinGen allele CA10153023.
Genomic context (GRCh38, chr22:24,500,129, plus strand): 5'-ATCAAAATCCCCTTCCCTCTTTTTTCCTGCCCATCTAGGAAGCTTGATCTGCCCAGGGAA[G>A]CTTTCGAAGCTGCCTCCAGAGAAGACTTTGAACTGCAGGGATATGCCTTTGAAGCAGCGG-3'
Protein context (NP_057411.1, residues 33-53): ELRKLDLPRE[Ala43Thr]FEAASREDFE